The following is an entry in ClinVar:

NM_000256.3(MYBPC3):c.1260C>A (p.Thr420=)

Gene: MYBPC3 (myosin binding protein C3; minus strand). Cytogenetic location: 11p11.2.
Variant type: single nucleotide variant.
Coding change: c.1260C>A on transcript NM_000256.3 (MANE Select); coding-DNA position 1260, C replaced by A.
Protein change: p.Thr420=; no amino-acid change (threonine 420 retained).
Molecular consequence: synonymous variant.
Genome position (GRCh38, 1-based): chr11:47,343,112, G>T on the plus strand (C>A on the coding strand, the complement: MYBPC3 is on the minus strand). VCF-style: chr11-47343112-G-T. GRCh37 (hg19) VCF-style: chr11-47364663-G-T.
Identifiers: ClinVar variation 922606 (VCV000922606.14), dbSNP rs1461148074, ClinGen allele CA474429410.

ClinVar aggregate classification (germline): Likely benign. Review status: criteria provided, multiple submitters, no conflicts (2 of 4 stars). 6 submissions from 6 submitters: Likely benign (6). Last evaluated 2026-01-12.

Conditions:
Cardiovascular phenotype. Identifiers: MedGen CN230736.
Cardiomyopathy (CMYO). Also called: Cardiomyopathies. Identifiers: Orphanet 167848, MedGen C0878544, MONDO:0004994, HP:0001638. Inheritance: Various modes of inheritance.
Hypertrophic cardiomyopathy. Also called: HYPERTROPHIC MYOCARDIOPATHY. Identifiers: Orphanet 217569, MedGen C0007194, MeSH D002312, MONDO:0005045, HP:0001639.

Allele frequency attached by ClinVar (database versions not stated): TOPMed 0.00001.
gnomAD v4.1: 4 of 1,611,924 alleles (0.00025%); highest among the groups gnomAD compares: Non-Finnish European, 0.000085%; no homozygotes.

Submissions (6):

Labcorp Genetics (formerly Invitae), Labcorp
Classification: Likely benign for Hypertrophic cardiomyopathy. Last evaluated: 2026-01-12. Review status: criteria provided, single submitter. Criteria: Invitae Variant Classification Sherloc (09022015). Collection method: clinical testing. Allele origin: germline.

Women's Health and Genetics/Laboratory Corporation of America, LabCorp
Classification: Likely benign. Last evaluated: 2025-05-09. Review status: criteria provided, single submitter. Criteria: LabCorp Variant Classification Summary - May 2015. Collection method: clinical testing. Allele origin: germline.

All of Us Research Program, National Institutes of Health
Classification: Likely benign for Hypertrophic cardiomyopathy. Last evaluated: 2024-05-24. Review status: criteria provided, single submitter. Criteria: ACMG Guidelines, 2015. Collection method: clinical testing. Allele origin: germline. Inheritance: Autosomal dominant inheritance. Observed: 2 variant alleles, 2 heterozygotes.
Comment: This study involves interpretation of variants in research participants for the purpose of population health screening. Participant phenotype was not available at the time of variant classification. Additional details can be found in publication PMID: 35346344, PMCID: PMC8962531

Blueprint Genetics
Classification: Likely benign. Last evaluated: 2022-11-15. Review status: criteria provided, single submitter. Criteria: ACMG Guidelines, 2015. Collection method: clinical testing. Allele origin: germline.

Ambry Genetics
Classification: Likely benign for Cardiovascular phenotype. Last evaluated: 2021-10-29. Review status: criteria provided, single submitter. Criteria: Ambry Variant Classification Scheme 2023. Collection method: clinical testing. Allele origin: germline.

Color Diagnostics, LLC DBA Color Health
Classification: Likely benign for Cardiomyopathy. Last evaluated: 2018-11-27. Review status: criteria provided, single submitter. Criteria: ACMG Guidelines, 2015. Collection method: clinical testing. Allele origin: germline.